The following is an entry in ClinVar:

NM_198994.3(TGM6):c.974C>G (p.Thr325Arg)

Gene: TGM6 (transglutaminase 6; plus strand). Cytogenetic location: 20p13.
Variant type: single nucleotide variant.
Coding change: c.974C>G on transcript NM_198994.3 (MANE Select); coding-DNA position 974, C replaced by G.
Protein change: p.Thr325Arg; replaces threonine 325 with arginine.
Molecular consequence: missense variant.
Genome position (GRCh38, 1-based): chr20:2,400,429, C>G. VCF-style: chr20-2400429-C-G. GRCh37 (hg19) VCF-style: chr20-2381075-C-G.
Other names: c.974C>G, p.Thr325Arg (NM_001254734.2); short protein forms T325R.
Identifiers: ClinVar variation 2181276 (VCV002181276.2), dbSNP rs141990961, ClinGen allele CA9731903.

ClinVar aggregate classification (germline): Uncertain significance (1 of 4 stars; one submission).

Allele frequency attached by ClinVar (database versions not stated): ESP Exome Variant Server 0.00015.
gnomAD v4.1: 142 of 1,614,078 alleles (0.0088%); highest among the groups gnomAD compares: Non-Finnish European, 0.011%; no homozygotes.

Submission:

Labcorp Genetics (formerly Invitae), Labcorp
Classification: Uncertain significance. Last evaluated: 2023-06-28. Review status: criteria provided, single submitter. Criteria: Invitae Variant Classification Sherloc (09022015). Collection method: clinical testing. Allele origin: germline.
Comment: In summary, the available evidence is currently insufficient to determine the role of this variant in disease. Therefore, it has been classified as a Variant of Uncertain Significance. Advanced modeling of protein sequence and biophysical properties (such as structural, functional, and spatial information, amino acid conservation, physicochemical variation, residue mobility, and thermodynamic stability) performed at Invitae indicates that this missense variant is not expected to disrupt TGM6 protein function. ClinVar contains an entry for this variant (Variation ID: 2181276). This variant has not been reported in the literature in individuals affected with TGM6-related conditions. This variant is present in population databases (rs141990961, gnomAD 0.02%). This sequence change replaces threonine, which is neutral and polar, with arginine, which is basic and polar, at codon 325 of the TGM6 protein (p.Thr325Arg).